The following is an entry in ClinVar:

NM_020436.5(SALL4):c.1164C>G (p.Ser388Arg)

Gene: SALL4 (spalt like transcription factor 4; minus strand). Cytogenetic location: 20q13.2.
Variant type: single nucleotide variant.
Coding change: c.1164C>G on transcript NM_020436.5 (MANE Select); coding-DNA position 1164, C replaced by G.
Protein change: p.Ser388Arg; replaces serine 388 with arginine.
Molecular consequence: missense variant. On other transcripts: intron variant (1).
Genome position (GRCh38, 1-based): chr20:51,791,319, G>C on the plus strand (C>G on the coding strand, the complement: SALL4 is on the minus strand). VCF-style: chr20-51791319-G-C. GRCh37 (hg19) VCF-style: chr20-50407858-G-C.
Other names: c.1150+14C>G (NM_001318031.2); short protein forms S388R.
Identifiers: ClinVar variation 4057106 (VCV004057106.1).
Genomic context (GRCh38, chr20:51,791,319, plus strand): 5'-TCTCTCTCCAGTGTGGGAGCGGAGGTGGATCTGCAAGGAGCTATCAGTCCCAAAAACCTT[G>C]CTACAGTACTTACACTTGTGCTTGTAGAGGGCCGCCTCGTCTTTGGGTTTGACATCCACC-3'
Protein context (NP_065169.1, residues 378-398): ALYKHKCKYC[Ser388Arg]KVFGTDSSLQ

ClinVar aggregate classification (germline): Uncertain significance (1 of 4 stars; one submission).

Submission:

GeneDx
Classification: Uncertain significance. Last evaluated: 2025-01-09. Review status: criteria provided, single submitter. Criteria: GeneDx Variant Classification Process June 2021. Collection method: clinical testing. Allele origin: germline. Affected: yes.
Comment: Not observed at significant frequency in large population cohorts (gnomAD); In silico analysis indicates that this missense variant does not alter protein structure/function; Has not been previously published as pathogenic or benign to our knowledge